The following is an entry in ClinVar:

NM_030973.4(MED25):c.1518_1519del (p.Cys506_Glu507delinsTer)

Gene: MED25 (mediator complex subunit 25; plus strand). Cytogenetic location: 19q13.33.
Variant type: Microsatellite.
Coding change: c.1518_1519del on transcript NM_030973.4 (MANE Select); coding-DNA positions 1518 to 1519, 2 bases deleted (TG; older notation c.1518_1519delTG).
Protein change: p.Cys506_Glu507delinsTer.
Molecular consequence: nonsense. On other transcripts: frameshift variant (1).
Genome position (GRCh38, 1-based): chr19:49,835,021-49,835,022, TG deleted; deleting any 2 consecutive bases within chr19:49,835,019-49,835,022 gives the same sequence; the c. name uses the placement nearest the transcript's 3' end. VCF-style (leftmost placement, unchanged base first): chr19-49835018-CTG-C. GRCh37 (hg19) VCF-style: chr19-50338275-CTG-C.
Other names: c.1518_1519del (NM_030973.3); c.1518_1519del, p.Cys506_Glu507delinsTer (NM_001378355.1); c.1516_1517TG[1], p.Cys506Terfs (NM_030973.3).
Identifiers: ClinVar variation 1937406 (VCV001937406.5), dbSNP rs775019484, ClinGen allele CA309519888.

ClinVar aggregate classification (germline): Uncertain significance. Review status: criteria provided, single submitter (1 of 4 stars). 2 submissions from 2 submitters: Uncertain significance (1). 1 of the submissions does not count toward it. Last evaluated 2022-04-25.

Conditions:
Tip-toe gait. Also called: Toe walking. Identifiers: MedGen C0427144, HP:0030051.
Charcot-Marie-Tooth disease type 2. Also called: Charcot-Marie-Tooth type 2. Identifiers: Orphanet 64746, MedGen C0270914, MONDO:0018993.

Submissions (2):

Labcorp Genetics (formerly Invitae), Labcorp
Classification: Uncertain significance for Charcot-Marie-Tooth disease type 2. Last evaluated: 2022-04-25. Review status: criteria provided, single submitter. Criteria: Invitae Variant Classification Sherloc (09022015). Collection method: clinical testing. Allele origin: germline.
Comment: This variant has not been reported in the literature in individuals affected with MED25-related conditions. This sequence change creates a premature translational stop signal (p.Cys506*) in the MED25 gene. It is expected to result in an absent or disrupted protein product. However, the current clinical and genetic evidence is not sufficient to establish whether loss-of-function variants in MED25 cause disease. This variant is not present in population databases (gnomAD no frequency). In summary, the available evidence is currently insufficient to determine the role of this variant in disease. Therefore, it has been classified as a Variant of Uncertain Significance.

Practice for Gait Abnormalities, David Pomarino, Competency Network Toe Walking C/o Practice Pomarino
Classification: Likely pathogenic for Tip-toe gait. Last evaluated: 2023-03-07. Review status: no assertion criteria provided. Collection method: clinical testing. Allele origin: germline. Affected: yes. Not counted in ClinVar's aggregate classification.
Comment: Hereditary motor sensory neuropathy (HMSN), also known as Charcot-Marie-Tooth Disease (CMT), is the most commonly inherited peripheral polyneuropathy. It constitutes a group of inherited, progressive, motor and sensory peripheral nerve disorders with properties of demyelination, axonal degeneration, or both. It is classified by clinical characteristics, modes of inheritance, electrophysiologic features, metabolic defects, and specific gene markers. Our patients all walk on tiptoe, so they show similar symptoms. When we genetically test them with our toe walking panel, we find that around 90 per cent of them have a genetic variant that explains their toe walking. These can be assigned, for example, to the area of myopathies (such as variants of the COL6A3 gene), the area of hereditary neuropathies (such as variants of the KMT2C gene) or the area of metabolic diseases (such as variants of the PYGM gene). In a smaller group of patients with almost identical symptoms, no abnormality is found in the genes of our panel, but spastic paraplegia can be detected. In another small group of our toe walkers, no abnormalities can be detected in the genes analysed in our toe walking panel, nor do they suffer from spastic paraplegia, as is also the case with healthy children. In contrast to these, however, they show a tiptoe gait. These patients suffer from infantile cerebral palsy, in which toe walking can also be observed.

Literature cited by the submitters: PubMed 37091313 (cited by Practice for Gait Abnormalities, David Pomarino, Competency Network Toe Walking C/o Practice Pomarino).